The following is an entry in ClinVar:

NM_000152.5(GAA):c.2600_2604delinsA (p.Val867fs)

Gene: GAA (alpha glucosidase; plus strand). Cytogenetic location: 17q25.3.
Variant type: Indel.
Coding change: c.2600_2604delinsA on transcript NM_000152.5 (MANE Select); coding-DNA positions 2600 to 2604, TGCTG replaced by A.
Protein change: p.Val867fs; shifts the reading frame from valine 867.
Molecular consequence: frameshift variant.
Genome position (GRCh38, 1-based): chr17:80,118,311-80,118,315, TGCTG replaced by A. VCF-style: chr17-80118311-TGCTG-A. GRCh37 (hg19) VCF-style: chr17-78092110-TGCTG-A.
Other names: c.2600_2604delinsA, p.Val867fs (NM_001079803.3, NM_001079804.3, NM_001406741.1 and 1 more transcripts); short protein forms V867fs.
Identifiers: ClinVar variation 4876300 (VCV004876300.1).

ClinVar aggregate classification (germline): Pathogenic (1 of 4 stars; one submission).

Conditions:
Glycogen storage disease, type II (IOPD). Also called: Pompe Disease; CARDIOMEGALIA GLYCOGENICA DIFFUSA; GLYCOGENOSIS, GENERALIZED, CARDIAC FORM; GSD II; POMPE DISEASE, INFANTILE-ONSET; GLYCOGEN STORAGE DISEASE II, INFANTILE-ONSET. Identifiers: Orphanet 365, MedGen C0017921, MONDO:0009290, OMIM 232300.

Submission:

Genomenon, Inc
Classification: Pathogenic for Glycogen storage disease, type II. Last evaluated: 2026-07-01. Review status: criteria provided, single submitter. Criteria: Genomenon Sequence Variant Interpretation Standards - Updated. Collection method: curation. Allele origin: germline. Affected: yes.
Comment: GAA p.Val867GlufsTer19 (c.2600_2604delinsA) is a frameshift variant that is predicted to introduce a premature termination codon and result in a truncated or absent protein product. This variant has been observed in at least one proband with a GAA-related disorder (PMID:27711114;22980766;17616415;25998610). It is absent or not present at a significant frequency in gnomAD. In conclusion, we classify GAA p.Val867GlufsTer19 (c.2600_2604delinsA) as a pathogenic variant.

Literature cited by the submitters: PubMed 27711114; PubMed 22980766; PubMed 17616415; PubMed 25998610.